The following is an entry in ClinVar:

NM_003823.4(TNFRSF6B):c.701A>C (p.Gln234Pro)

Genes: RTEL1-TNFRSF6B (RTEL1-TNFRSF6B readthrough (NMD candidate); plus strand), TNFRSF6B (TNF receptor superfamily member 6b; plus strand). Cytogenetic location: 20q13.33.
Variant type: single nucleotide variant.
Coding change: c.701A>C on transcript NM_003823.4 (MANE Select); coding-DNA position 701, A replaced by C.
Protein change: p.Gln234Pro; replaces glutamine 234 with proline.
Molecular consequence: missense variant. On other transcripts: non-coding transcript variant (1).
Genome position (GRCh38, 1-based): chr20:63,698,361, A>C. VCF-style: chr20-63698361-A-C. GRCh37 (hg19) VCF-style: chr20-62329714-A-C.
Other names: c.701A>C (NM_003823.3); short protein forms Q234P.
Identifiers: ClinVar variation 2175521 (VCV002175521.5), dbSNP rs781192378, ClinGen allele CA9966566.

ClinVar aggregate classification (germline): Uncertain significance. Review status: criteria provided, multiple submitters, no conflicts (2 of 4 stars). 2 submissions from 2 submitters: Uncertain significance (2). Last evaluated 2025-08-28.

Allele frequency attached by ClinVar (database versions not stated): TOPMed below 0.00001; ExAC 0.00001; gnomAD 0.00001; gnomAD exomes 0.00001.

Submissions (2):

Labcorp Genetics (formerly Invitae), Labcorp
Classification: Uncertain significance. Last evaluated: 2025-08-28. Review status: criteria provided, single submitter. Criteria: Invitae Variant Classification Sherloc (09022015). Collection method: clinical testing. Allele origin: germline.
Comment: This sequence change replaces glutamine, which is neutral and polar, with proline, which is neutral and non-polar, at codon 234 of the TNFRSF6B protein (p.Gln234Pro). This variant is present in population databases (rs781192378, gnomAD 0.003%). This variant has not been reported in the literature in individuals affected with TNFRSF6B-related conditions. ClinVar contains an entry for this variant (Variation ID: 2175521). An algorithm developed to predict the effect of missense changes on protein structure and function (PolyPhen-2) suggests that this variant is likely to be disruptive. In summary, the available evidence is currently insufficient to determine the role of this variant in disease. Therefore, it has been classified as a Variant of Uncertain Significance.

Ambry Genetics
Classification: Uncertain significance. Last evaluated: 2024-05-06. Review status: criteria provided, single submitter. Criteria: Ambry Variant Classification Scheme 2023. Collection method: clinical testing. Allele origin: germline.